The following is an entry in ClinVar:

NM_001378964.1(CDON):c.1894C>T (p.Arg632Ter)

Gene: CDON (cell adhesion associated, oncogene regulated; minus strand). Cytogenetic location: 11q24.2.
Variant type: single nucleotide variant.
Coding change: c.1894C>T on transcript NM_001378964.1 (MANE Select); coding-DNA position 1894, C replaced by T.
Protein change: p.Arg632Ter; replaces arginine 632 with a stop codon.
Molecular consequence: nonsense.
Genome position (GRCh38, 1-based): chr11:126,004,034, G>A on the plus strand (C>T on the coding strand, the complement: CDON is on the minus strand). VCF-style: chr11-126004034-G-A. GRCh37 (hg19) VCF-style: chr11-125873929-G-A.
Other names: c.1894C>T, p.Arg632Ter (NM_001243597.3, NM_001441161.1, NM_001441162.1 and 5 more transcripts); short protein forms R632*.
Identifiers: ClinVar variation 4885657 (VCV004885657.2).

ClinVar aggregate classification (germline): Uncertain significance (1 of 4 stars; one submission).

gnomAD v4.1: 1 of 1,613,874 alleles (0.000062%); highest among the groups gnomAD compares: Non-Finnish European, 0.000085%; no homozygotes.

Submission:

Dasa
Classification: Uncertain significance. Last evaluated: 2026-03-20. Review status: criteria provided, single submitter. Criteria: DASA Assertion Criteria. Collection method: clinical testing. Allele origin: germline.
Comment: NM_001378964.1(CDON):c.1894C>T (p.Arg632*) is a nonsense variant in CDON predicted to introduce a premature termination codon. This variant is rare in population databases. The currently available literature and clinical evidence are not sufficient to establish a definitive association between this variant and the reported condition. Therefore, this variant is classified as a variant of uncertain significance.